The following is an entry in ClinVar:

NM_001291867.2(NHS):c.1928del (p.Ser643fs)

Gene: NHS (NHS actin remodeling regulator; plus strand). Cytogenetic location: Xp22.13.
Variant type: Deletion.
Coding change: c.1928del on transcript NM_001291867.2 (MANE Select); coding-DNA position 1928, one base deleted (C; older notation c.1928delC).
Protein change: p.Ser643fs; shifts the reading frame from serine 643.
Molecular consequence: frameshift variant.
Genome position (GRCh38, 1-based): chrX:17,726,034, C deleted. VCF-style (leftmost placement, unchanged base first): chrX-17726033-TC-T. GRCh37 (hg19) VCF-style: chrX-17744153-TC-T.
Other names: c.1397del, p.Ser466fs (NM_001136024.4); c.1334del, p.Ser445fs (NM_001291868.2); c.1865del, p.Ser622fs (NM_198270.4); short protein forms S445fs, S466fs, S622fs, S643fs.
Identifiers: ClinVar variation 3775474 (VCV003775474.2).

ClinVar aggregate classification (germline): Likely pathogenic (1 of 4 stars; one submission).

Conditions:
Cataract 40 (CTRCT40). Also called: CATARACT 40 WITH OR WITHOUT MICROCORNEA; CATARACT, CONGENITAL TOTAL, WITH POSTERIOR SUTURAL OPACITIES IN HETEROZYGOTES; Cataract 40, X-linked. Identifiers: Orphanet 91492, MedGen C4049004, MONDO:0010544, OMIM 302200.

Submission:

3billion
Classification: Likely pathogenic for Cataract 40. Last evaluated: 2024-09-23. Review status: criteria provided, single submitter. Criteria: ACMG Guidelines, 2015. Collection method: clinical testing. Allele origin: germline. Affected: yes.
Comment: The variant is not observed in the gnomAD v4.0.0 dataset. Predicted Consequence/Location: Frameshift: predicted to result in a loss or disruption of normal protein function through nonsense-mediated decay (NMD) or protein truncation. Multiple pathogenic variants are reported downstream of the variant. Therefore, this variant is classified as Likely pathogenic according to the recommendation of ACMG/AMP guideline.